The following is an entry in ClinVar:

NM_000059.4(BRCA2):c.6784del (p.Met2262fs)

Gene: BRCA2 (BRCA2 DNA repair associated; plus strand). Cytogenetic location: 13q13.1.
Variant type: Deletion.
Coding change: c.6784del on transcript NM_000059.4 (MANE Select); coding-DNA position 6784, one base deleted (A; older notation c.6784delA).
Protein change: p.Met2262fs; shifts the reading frame from methionine 2262.
Molecular consequence: frameshift variant. On other transcripts: non-coding transcript variant (1), intron variant (2).
Genome position (GRCh38, 1-based): chr13:32,341,139, A deleted; the last of 3 consecutive A bases (chr13:32,341,137-32,341,139); deleting any one gives the same sequence. VCF-style (leftmost placement, unchanged base first): chr13-32341136-GA-G. GRCh37 (hg19) VCF-style: chr13-32915273-GA-G.
Other names: c.6784del, p.Met2262fs (NM_001406720.1, NM_001406719.1); c.1910-3419del (NM_001406721.1); c.425-3419del (NM_001406722.1); short protein forms M2262fs.
Identifiers: ClinVar variation 2755830 (VCV002755830.3), dbSNP rs2548534080, ClinGen allele CA2697551759.

ClinVar aggregate classification (germline): Pathogenic (1 of 4 stars; one submission).

Conditions:
Hereditary breast ovarian cancer syndrome. Also called: Hereditary breast and ovarian cancer; Hereditary breast and ovarian cancer syndrome; Breast and ovarian cancer; BRCA1- and BRCA2-Associated Hereditary Breast and Ovarian Cancer; Hereditary breast and ovarian cancer syndrome (HBOC); Hereditary breast and/or ovarian cancer syndrome. Identifiers: Orphanet 145, MedGen C0677776, MeSH D061325, MONDO:0003582. Disease mechanism: loss of function.

Submission:

Labcorp Genetics (formerly Invitae), Labcorp
Classification: Pathogenic for Hereditary breast ovarian cancer syndrome. Last evaluated: 2024-05-06. Review status: criteria provided, single submitter. Criteria: Invitae Variant Classification Sherloc (09022015). Collection method: clinical testing. Allele origin: germline.
Comment: This sequence change creates a premature translational stop signal (p.Met2262Trpfs*18) in the BRCA2 gene. It is expected to result in an absent or disrupted protein product. Loss-of-function variants in BRCA2 are known to be pathogenic (PMID: 20104584). This variant is not present in population databases (gnomAD no frequency). This variant has not been reported in the literature in individuals affected with BRCA2-related conditions. For these reasons, this variant has been classified as Pathogenic.

Literature cited by the submitters: PubMed 20104584.